The following is an entry in ClinVar:

ClinVar aggregate classification (germline): Likely benign (1 of 4 stars; one submission).

Allele frequency attached by ClinVar (database versions not stated): gnomAD exomes 0.00081; gnomAD 0.00749; TOPMed 0.00850; 1000 Genomes Project 0.00899; 1000 Genomes Project 30x 0.00968.
gnomAD v4.1: 1,861 of 995,950 alleles (0.19%); highest among the groups gnomAD compares: African/African-American, 2.6%; 18 homozygotes.

Submission:

GeneDx
Classification: Likely benign. Last evaluated: 2018-07-21. Review status: criteria provided, single submitter. Criteria: GeneDx Variant Classification Process June 2021. Collection method: clinical testing. Allele origin: germline. Affected: yes.
Comment: See Variant Classification Assertion Criteria.

NM_000746.6(CHRNA7):c.241-58A>G

Gene: CHRNA7 (cholinergic receptor nicotinic alpha 7 subunit). Cytogenetic location: 15q13.3.
Variant type: single nucleotide variant.
Coding change: c.241-58A>G on transcript NM_000746.6 (MANE Select); 58 bases into the intron before coding-DNA position 241, A replaced by G.
Molecular consequence: intron variant.
Genome position (GRCh38, 1-based): chr15:32,111,732, A>G. VCF-style: chr15-32111732-A-G. GRCh37 (hg19) VCF-style: chr15-32403933-A-G.
Other names: c.328-58A>G (NM_001190455.3).
Identifiers: ClinVar variation 1707251 (VCV001707251.2), dbSNP rs79187520, ClinGen allele CA268610618.